The following is an entry in ClinVar:

ClinVar aggregate classification (germline): Uncertain significance. Review status: criteria provided, multiple submitters, no conflicts (2 of 4 stars). 2 submissions from 2 submitters: Uncertain significance (2). Last evaluated 2025-01-17.

Conditions:
Hereditary nonpolyposis colorectal neoplasms. Identifiers: MedGen C0009405, MeSH D003123.
Hereditary cancer-predisposing syndrome. Also called: Neoplastic Syndromes, Hereditary; Tumor predisposition; Hereditary Cancer Syndrome; Hereditary neoplastic syndrome. Identifiers: Orphanet 140162, MedGen C0027672, MeSH D009386, MONDO:0015356.

Submissions (2):

Ambry Genetics
Classification: Uncertain significance for Hereditary cancer-predisposing syndrome. Last evaluated: 2025-01-17. Review status: criteria provided, single submitter. Criteria: Ambry Variant Classification Scheme 2023. Collection method: clinical testing. Allele origin: germline.
Comment: The p.I668M variant (also known as c.2004A>G), located in coding exon 11 of the PMS2 gene, results from an A to G substitution at nucleotide position 2004. The isoleucine at codon 668 is replaced by methionine, an amino acid with highly similar properties. This amino acid position is highly conserved in available vertebrate species. In addition, the in silico prediction for this alteration is inconclusive. Based on the available evidence, the clinical significance of this variant remains unclear.

Labcorp Genetics (formerly Invitae), Labcorp
Classification: Uncertain significance for Hereditary nonpolyposis colorectal neoplasms. Last evaluated: 2021-10-21. Review status: criteria provided, single submitter. Criteria: Invitae Variant Classification Sherloc (09022015). Collection method: clinical testing. Allele origin: germline.
Comment: In summary, the available evidence is currently insufficient to determine the role of this variant in disease. Therefore, it has been classified as a Variant of Uncertain Significance. This variant disrupts the p.Ile668 amino acid residue in PMS2. Other variant(s) that disrupt this residue have been determined to be pathogenic (PMID: 25691505). This suggests that this residue is clinically significant, and that variants that disrupt this residue are likely to be disease-causing. Algorithms developed to predict the effect of missense changes on protein structure and function are either unavailable or do not agree on the potential impact of this missense change (SIFT: "Deleterious"; PolyPhen-2: "Probably Damaging"; Align-GVGD: "Class C0"). This variant has not been reported in the literature in individuals affected with PMS2-related conditions. This variant is not present in population databases (ExAC no frequency). This sequence change replaces isoleucine with methionine at codon 668 of the PMS2 protein (p.Ile668Met). The isoleucine residue is highly conserved and there is a small physicochemical difference between isoleucine and methionine.

Literature cited by the submitters: PubMed 25691505 (cited by Labcorp Genetics (formerly Invitae), Labcorp).

NM_000535.7(PMS2):c.2004A>G (p.Ile668Met)

Gene: PMS2 (PMS1 homolog 2, mismatch repair system component; minus strand). Cytogenetic location: 7p22.1.
Variant type: single nucleotide variant.
Coding change: c.2004A>G on transcript NM_000535.7 (MANE Select); coding-DNA position 2004, A replaced by G.
Protein change: p.Ile668Met; replaces isoleucine 668 with methionine.
Molecular consequence: missense variant. On other transcripts: non-coding transcript variant (1).
Genome position (GRCh38, 1-based): chr7:5,986,761, T>C on the plus strand (A>G on the coding strand, the complement: PMS2 is on the minus strand). VCF-style: chr7-5986761-T-C. GRCh37 (hg19) VCF-style: chr7-6026392-T-C.
Other names: c.1599A>G, p.Ile533Met (NM_001322003.2, NM_001322004.2, NM_001322005.2 and 1 more transcripts); c.1848A>G, p.Ile616Met (NM_001322006.2); c.1686A>G, p.Ile562Met (NM_001322007.2, NM_001322008.2); c.1443A>G, p.Ile481Met (NM_001322010.2); c.1071A>G, p.Ile357Met (NM_001322011.2, NM_001322012.2); c.1431A>G, p.Ile477Met (NM_001322013.2); c.2004A>G, p.Ile668Met (NM_001322014.2); c.1695A>G, p.Ile565Met (NM_001322015.2); short protein forms I481M, I562M, I616M, I477M, I533M, I357M, I565M, I668M.
Identifiers: ClinVar variation 820512 (VCV000820512.12), dbSNP rs1583312840, ClinGen allele CA366738855.